The following is an entry in ClinVar:

ClinVar aggregate classification (germline): Benign (0 of 4 stars; one submission).

Conditions:
XIRP2-related disorder. Also called: XIRP2-related condition.

Allele frequency attached by ClinVar (database versions not stated): gnomAD exomes 0.05094; ESP Exome Variant Server 0.05252; TOPMed 0.05687; ExAC 0.05703; gnomAD 0.05883; 1000 Genomes Project 30x 0.07854; 1000 Genomes Project 0.08167.
gnomAD v4.1: 83,393 of 1,613,560 alleles (5.2%); highest among the groups gnomAD compares: East Asian, 9.1%; 2,448 homozygotes.

Submission:

PreventionGenetics, part of Exact Sciences
Classification: Benign for XIRP2-related condition. Last evaluated: 2019-02-22. Review status: no assertion criteria provided. Collection method: clinical testing. Allele origin: germline.
Comment: This variant is classified as benign based on ACMG/AMP sequence variant interpretation guidelines (Richards et al. 2015 PMID: 25741868, with internal and published modifications).

NM_152381.6(XIRP2):c.5799A>G (p.Gln1933=)

Gene: XIRP2 (xin actin binding repeat containing 2; plus strand). Cytogenetic location: 2q24.3.
Variant type: single nucleotide variant.
Coding change: c.5799A>G on transcript NM_152381.6 (MANE Select); coding-DNA position 5799, A replaced by G.
Protein change: p.Gln1933=; no amino-acid change (glutamine 1933 retained).
Molecular consequence: synonymous variant. On other transcripts: intron variant (3).
Genome position (GRCh38, 1-based): chr2:167,247,191, A>G. VCF-style: chr2-167247191-A-G. GRCh37 (hg19) VCF-style: chr2-168103701-A-G.
Other names: c.5133A>G, p.Gln1711= (NM_001199144.2); c.1275+5281A>G (NM_001199143.2); c.1176+5281A>G (NM_001079810.4); c.510+5281A>G (NM_001199145.2).
Identifiers: ClinVar variation 3059886 (VCV003059886.2), dbSNP rs16853313, ClinGen allele CA1947272.